The following is an entry in ClinVar:

NM_007254.4(PNKP):c.1387-2A>G

Gene: PNKP (polynucleotide kinase 3'-phosphatase; minus strand). Cytogenetic location: 19q13.33.
Variant type: single nucleotide variant.
Coding change: c.1387-2A>G on transcript NM_007254.4 (MANE Select); the canonical splice acceptor site of the intron before coding-DNA position 1387, A replaced by G.
Molecular consequence: splice acceptor variant.
Genome position (GRCh38, 1-based): chr19:49,861,512, T>C on the plus strand (A>G on the coding strand, the complement: PNKP is on the minus strand). VCF-style: chr19-49861512-T-C. GRCh37 (hg19) VCF-style: chr19-50364769-T-C.
Identifiers: ClinVar variation 1520587 (VCV001520587.8), dbSNP rs766419491, ClinGen allele CA9586393.

ClinVar aggregate classification (germline): Likely pathogenic (1 of 4 stars; one submission).

Conditions:
Developmental and epileptic encephalopathy, 12 (DEE12). Identifiers: MedGen C3150988, MONDO:0013389, OMIM 613722.

Allele frequency attached by ClinVar (database versions not stated): TOPMed below 0.00001; ExAC 0.00001; gnomAD exomes 0.00002.

Submission:

Labcorp Genetics (formerly Invitae), Labcorp
Classification: Likely pathogenic for Developmental and epileptic encephalopathy, 12. Last evaluated: 2025-05-19. Review status: criteria provided, single submitter. Criteria: Invitae Variant Classification Sherloc (09022015). Collection method: clinical testing. Allele origin: germline.
Comment: This sequence change affects an acceptor splice site in intron 15 of the PNKP gene. It is expected to disrupt RNA splicing. Variants that disrupt the donor or acceptor splice site typically lead to a loss of protein function (PMID: 16199547), and loss-of-function variants in PNKP are known to be pathogenic (PMID: 20118933, 25728773). This variant is present in population databases (rs766419491, gnomAD 0.004%). This variant has not been reported in the literature in individuals affected with PNKP-related conditions. ClinVar contains an entry for this variant (Variation ID: 1520587). Algorithms developed to predict the effect of sequence changes on RNA splicing suggest that this variant may disrupt the consensus splice site. In summary, the currently available evidence indicates that the variant is pathogenic, but additional data are needed to prove that conclusively. Therefore, this variant has been classified as Likely Pathogenic.

Literature cited by the submitters: PubMed 16199547; PubMed 20118933; PubMed 25728773.